The following is an entry in ClinVar:

NM_138295.5(PKD1L1):c.3581G>C (p.Arg1194Pro)

Gene: PKD1L1 (polycystin 1 like 1, transient receptor potential channel interacting; minus strand). Cytogenetic location: 7p12.3.
Variant type: single nucleotide variant.
Coding change: c.3581G>C on transcript NM_138295.5 (MANE Select); coding-DNA position 3581, G replaced by C.
Protein change: p.Arg1194Pro; replaces arginine 1194 with proline.
Molecular consequence: missense variant.
Genome position (GRCh38, 1-based): chr7:47,877,571, C>G on the plus strand (G>C on the coding strand, the complement: PKD1L1 is on the minus strand). VCF-style: chr7-47877571-C-G. GRCh37 (hg19) VCF-style: chr7-47917169-C-G.
Other names: short protein forms R1194P.
Identifiers: ClinVar variation 4994901 (VCV004994901.1).
Genomic context (GRCh38, chr7:47,877,571, plus strand): 5'-ACACTGAAGACGGTGTGTGCTTCCAGACCATGGTGGGGCTGCACCTGACAGGCCATGTCC[C>G]GAGGAGCCGGGTTGACTGTCAAGTACAGCTGAGCTTTACCCAGTAAGCCATGCTTCGAAG-3'
Protein context (NP_612152.1, residues 1184-1204): QLYLTVNPAP[Arg1194Pro]DMACQVQPHH

ClinVar aggregate classification (germline): Uncertain significance (1 of 4 stars; one submission).

Conditions:
PKD1L1-related disorder. Also called: PKD1L1-related condition.

gnomAD v4.1: 92 of 1,614,054 alleles (0.0057%); highest among the groups gnomAD compares: Middle Eastern, 0.083%; no homozygotes.

Submission:

PreventionGenetics, part of Exact Sciences
Classification: Uncertain significance for PKD1L1-related condition. Last evaluated: 2026-07-16. Review status: criteria provided, single submitter. Criteria: ACMG Guidelines, 2015. Collection method: clinical testing. Allele origin: germline.
Comment: The PKD1L1 c.3581G>C variant is predicted to result in the amino acid substitution p.Arg1194Pro. To our knowledge, this variant has not been reported in the literature. This variant is reported in 0.056% of alleles in individuals of South Asian descent in gnomAD. Although we suspect that this variant may be benign, at this time, the clinical significance of this variant is uncertain due to the absence of conclusive functional and genetic evidence.